The following is an entry in ClinVar:

ClinVar aggregate classification (germline): Benign/Likely benign. Review status: criteria provided, multiple submitters, no conflicts (2 of 4 stars). 4 submissions from 4 submitters: Benign (3); Likely benign (1). Last evaluated 2026-01-28.

Conditions:
Neuropathy, hereditary sensory, type 1F. Also called: Hereditary sensory neuropathy type IF; HSN IF. Identifiers: Orphanet 36386, MedGen C3810194, MONDO:0014286, OMIM 615632.

Allele frequency attached by ClinVar (database versions not stated): gnomAD exomes 0.00081 and 0.00220; ExAC 0.00269; ESP Exome Variant Server 0.00842; gnomAD 0.00879 and 0.00938; TOPMed 0.00954; 1000 Genomes Project 0.01238; 1000 Genomes Project 30x 0.01405.
gnomAD v4.1: 2,556 of 1,614,212 alleles (0.16%); highest among the groups gnomAD compares: African/African-American, 3.1%; 31 homozygotes.

Submissions (4):

Labcorp Genetics (formerly Invitae), Labcorp
Classification: Benign for Neuropathy, hereditary sensory, type 1F. Last evaluated: 2026-01-28. Review status: criteria provided, single submitter. Criteria: Invitae Variant Classification Sherloc (09022015). Collection method: clinical testing. Allele origin: germline.

Mayo Clinic Laboratories, Mayo Clinic
Classification: Benign. Last evaluated: 2023-10-31. Review status: criteria provided, single submitter. Criteria: ACMG Guidelines, 2015. Collection method: clinical testing. Allele origin: germline. Observed: 2 variant alleles.
Comment: BS1, BS2

GeneDx
Classification: Likely benign. Last evaluated: 2022-01-22. Review status: criteria provided, single submitter. Criteria: GeneDx Variant Classification Process June 2021. Collection method: clinical testing. Allele origin: germline. Affected: yes.
Comment: See Variant Classification Assertion Criteria.

Breakthrough Genomics
Classification: Benign. Review status: criteria provided, single submitter. Criteria: ACMG Guidelines, 2015. Collection method: not provided. Allele origin: germline. Inheritance: Autosomal dominant inheritance. Affected: yes.

NM_015459.5(ATL3):c.1374A>G (p.Ser458=)

Genes: ATL3 (atlastin GTPase 3; minus strand), LNCROPM (lncRNA regulator of PLAAT3 mediated phospholipid metabolism; plus strand). Cytogenetic location: 11q13.1.
Variant type: single nucleotide variant.
Coding change: c.1374A>G on transcript NM_015459.5 (MANE Select); coding-DNA position 1374, A replaced by G.
Protein change: p.Ser458=; no amino-acid change (serine 458 retained).
Molecular consequence: synonymous variant.
Genome position (GRCh38, 1-based): chr11:63,631,205, T>C on the plus strand (A>G on the coding strand, the complement: ATL3 is on the minus strand). VCF-style: chr11-63631205-T-C. GRCh37 (hg19) VCF-style: chr11-63398677-T-C.
Other names: p.Ser458=; c.1320A>G, p.Ser440= (NM_001290048.2).
Identifiers: ClinVar variation 474832 (VCV000474832.15), dbSNP rs17158455, ClinGen allele CA6063530.